The following is an entry in ClinVar:

NM_001378454.1(ALMS1):c.3936_4220del (p.Ala1320_Pro1414del)

Gene: ALMS1 (ALMS1 centrosome and basal body associated protein; plus strand). Cytogenetic location: 2p13.1.
Variant type: Deletion.
Coding change: c.3936_4220del on transcript NM_001378454.1 (MANE Select); coding-DNA positions 3936 to 4220, 285 bases deleted.
Protein change: p.Ala1320_Pro1414del.
Molecular consequence: inframe deletion.
Genome position (GRCh38, 1-based): chr2:73,450,463-73,450,747, 285 bases deleted. GRCh37 (hg19): chr2:73,677,590-73,677,874.
Other names: c.3939_4223del, p.Ala1321_Pro1415del (NM_015120.4).
Identifiers: ClinVar variation 1381886 (VCV001381886.6), dbSNP rs2103780643, ClinGen allele CA2573135772.

ClinVar aggregate classification (germline): Uncertain significance (1 of 4 stars; one submission).

Conditions:
Alstrom syndrome (ALMS). Identifiers: Orphanet 64, MedGen C0268425, MONDO:0008763, OMIM 203800.

Submission:

Labcorp Genetics (formerly Invitae), Labcorp
Classification: Uncertain significance for Alstrom syndrome. Last evaluated: 2021-09-18. Review status: criteria provided, single submitter. Criteria: Invitae Variant Classification Sherloc (09022015). Collection method: clinical testing. Allele origin: germline.
Comment: This variant, c.3939_4223del, results in the deletion of 95 amino acid(s) of the ALMS1 protein (p.Ala1321_Pro1415del), but otherwise preserves the integrity of the reading frame. In summary, the available evidence is currently insufficient to determine the role of this variant in disease. Therefore, it has been classified as a Variant of Uncertain Significance. Experimental studies and prediction algorithms are not available or were not evaluated, and the functional significance of this variant is currently unknown. This variant has not been reported in the literature in individuals affected with ALMS1-related conditions. This variant is not present in population databases (ExAC no frequency).